The following is an entry in ClinVar:

NM_021930.6(RINT1):c.2065G>A (p.Glu689Lys)

Genes: EFCAB10 (EF-hand calcium binding domain 10; minus strand), RINT1 (RAD50 interactor 1; plus strand). Cytogenetic location: 7q22.3.
Variant type: single nucleotide variant.
Coding change: c.2065G>A on transcript NM_021930.6 (MANE Select); coding-DNA position 2065, G replaced by A.
Protein change: p.Glu689Lys; replaces glutamic acid 689 with lysine.
Molecular consequence: missense variant. On other transcripts: 3 prime UTR variant (1), non-coding transcript variant (1), intron variant (2).
Genome position (GRCh38, 1-based): chr7:105,565,455, G>A. VCF-style: chr7-105565455-G-A. GRCh37 (hg19) VCF-style: chr7-105205902-G-A.
Other names: c.*94C>T (NM_001355530.2); c.1831G>A, p.Glu611Lys (NM_001346599.2); c.1042G>A, p.Glu348Lys (NM_001346600.2, NM_001346603.2); c.1141G>A, p.Glu381Lys (NM_001346601.2); c.360-8C>T (NM_001355531.2); c.384-8C>T (NM_001355526.2); short protein forms E611K, E689K, E348K, E381K.
Identifiers: ClinVar variation 2448430 (VCV002448430.3), dbSNP rs2133478670, ClinGen allele CA368815016.

ClinVar aggregate classification (germline): Uncertain significance (1 of 4 stars; one submission).

Submission:

Ambry Genetics
Classification: Uncertain significance. Last evaluated: 2025-03-28. Review status: criteria provided, single submitter. Criteria: Ambry Variant Classification Scheme 2023. Collection method: clinical testing. Allele origin: germline.
Comment: The p.E689K variant (also known as c.2065G>A), located in coding exon 13 of the RINT1 gene, results from a G to A substitution at nucleotide position 2065. The glutamic acid at codon 689 is replaced by lysine, an amino acid with similar properties. This amino acid position is conserved. In addition, the in silico prediction for this alteration is inconclusive. Since supporting evidence is limited at this time, the clinical significance of this alteration remains unclear.